The following is an entry in ClinVar:

NM_032444.4(SLX4):c.4099G>A (p.Ala1367Thr)

Gene: SLX4 (SLX4 structure-specific endonuclease subunit; minus strand). Cytogenetic location: 16p13.3.
Variant type: single nucleotide variant.
Coding change: c.4099G>A on transcript NM_032444.4 (MANE Select); coding-DNA position 4099, G replaced by A.
Protein change: p.Ala1367Thr; replaces alanine 1367 with threonine.
Molecular consequence: missense variant.
Genome position (GRCh38, 1-based): chr16:3,589,539, C>T on the plus strand (G>A on the coding strand, the complement: SLX4 is on the minus strand). VCF-style: chr16-3589539-C-T. GRCh37 (hg19) VCF-style: chr16-3639540-C-T.
Other names: c.4099G>A (LRG_503t1); short protein forms A1367T.
Identifiers: ClinVar variation 526427 (VCV000526427.9), dbSNP rs17136464, ClinGen allele CA7865734.

ClinVar aggregate classification (germline): Uncertain significance. Review status: criteria provided, multiple submitters, no conflicts (2 of 4 stars). 3 submissions from 3 submitters: Uncertain significance (3). Last evaluated 2025-01-05.

Conditions:
Fanconi anemia (FA). Also called: Fanconi's anemia. Identifiers: Orphanet 84, MedGen C0015625, MeSH D005199, MONDO:0019391.
Fanconi anemia complementation group P. Also called: SLX4-Related Fanconi Anemia. Identifiers: Orphanet 84, MedGen C3469542, MONDO:0013499, OMIM 613951.

Allele frequency attached by ClinVar (database versions not stated): gnomAD exomes 0.00004 and 0.00009; ExAC 0.00013; gnomAD 0.00043; TOPMed 0.00044; 1000 Genomes Project 0.00080; ESP Exome Variant Server 0.00085; 1000 Genomes Project 30x 0.00094.
gnomAD v4.1: 120 of 1,610,298 alleles (0.0075%); highest among the groups gnomAD compares: African/African-American, 0.15%; no homozygotes.

Submissions (3):

Labcorp Genetics (formerly Invitae), Labcorp
Classification: Uncertain significance for Fanconi anemia. Last evaluated: 2025-01-05. Review status: criteria provided, single submitter. Criteria: Invitae Variant Classification Sherloc (09022015). Collection method: clinical testing. Allele origin: germline.
Comment: This sequence change replaces alanine, which is neutral and non-polar, with threonine, which is neutral and polar, at codon 1367 of the SLX4 protein (p.Ala1367Thr). This variant is present in population databases (rs17136464, gnomAD 0.1%). This variant has not been reported in the literature in individuals affected with SLX4-related conditions. ClinVar contains an entry for this variant (Variation ID: 526427). An algorithm developed to predict the effect of missense changes on protein structure and function outputs the following: PolyPhen-2: "Benign". The threonine amino acid residue is found in multiple mammalian species, which suggests that this missense change does not adversely affect protein function. In summary, the available evidence is currently insufficient to determine the role of this variant in disease. Therefore, it has been classified as a Variant of Uncertain Significance.

Fulgent Genetics
Classification: Uncertain significance for Fanconi anemia complementation group P. Last evaluated: 2024-06-21. Review status: criteria provided, single submitter. Criteria: ACMG Guidelines, 2015. Collection method: clinical testing. Allele origin: germline.

GeneDx
Classification: Uncertain significance. Last evaluated: 2023-09-08. Review status: criteria provided, single submitter. Criteria: GeneDx Variant Classification Process June 2021. Collection method: clinical testing. Allele origin: germline. Affected: yes.
Comment: In silico analysis supports that this missense variant does not alter protein structure/function; Has not been previously published as pathogenic or benign to our knowledge